The following is an entry in ClinVar:

NM_031407.7(HUWE1):c.9589G>A (p.Glu3197Lys)

Gene: HUWE1 (HECT, UBA and WWE domain containing E3 ubiquitin protein ligase 1; minus strand). Cytogenetic location: Xp11.22.
Variant type: single nucleotide variant.
Coding change: c.9589G>A on transcript NM_031407.7 (MANE Select); coding-DNA position 9589, G replaced by A.
Protein change: p.Glu3197Lys; replaces glutamic acid 3197 with lysine.
Molecular consequence: missense variant.
Genome position (GRCh38, 1-based): chrX:53,549,405, C>T on the plus strand (G>A on the coding strand, the complement: HUWE1 is on the minus strand). VCF-style: chrX-53549405-C-T. GRCh37 (hg19) VCF-style: chrX-53576366-C-T.
Other names: short protein forms E3197K.
Identifiers: ClinVar variation 3343200 (VCV003343200.2).

ClinVar aggregate classification (germline): Uncertain significance (1 of 4 stars; one submission).

Submission:

GeneDx
Classification: Uncertain significance. Last evaluated: 2025-10-22. Review status: criteria provided, single submitter. Criteria: GeneDx Variant Classification Process June 2021. Collection method: clinical testing. Allele origin: germline.
Comment: Not observed at significant frequency in large population cohorts (gnomAD); In silico analysis supports that this missense variant has a deleterious effect on protein structure/function; Has not been previously published as pathogenic or benign to our knowledge